The following is an entry in ClinVar:

NM_138387.4(G6PC3):c.430G>A (p.Val144Met)

Gene: G6PC3 (glucose-6-phosphatase catalytic subunit 3; plus strand). Cytogenetic location: 17q21.31.
Variant type: single nucleotide variant.
Coding change: c.430G>A on transcript NM_138387.4 (MANE Select); coding-DNA position 430, G replaced by A.
Protein change: p.Val144Met; replaces valine 144 with methionine.
Molecular consequence: missense variant. On other transcripts: intron variant (1).
Genome position (GRCh38, 1-based): chr17:44,074,982, G>A. VCF-style: chr17-44074982-G-A. GRCh37 (hg19) VCF-style: chr17-42152350-G-A.
Other names: c.85G>A, p.Val29Met (NM_001384165.1, NM_001384166.1, NM_001384167.1 and 1 more transcripts); c.416+212G>A (NM_001319945.2); short protein forms V29M, V144M.
Identifiers: ClinVar variation 4261009 (VCV004261009.1).

ClinVar aggregate classification (germline): Uncertain significance (1 of 4 stars; one submission).

Conditions:
Inborn genetic diseases. Identifiers: MedGen C0950123, MeSH D030342.

Submission:

Ambry Genetics
Classification: Uncertain significance for Inborn genetic diseases. Last evaluated: 2025-09-06. Review status: criteria provided, single submitter. Criteria: Ambry Variant Classification Scheme 2023. Collection method: clinical testing. Allele origin: germline.
Comment: The p.V144M variant (also known as c.430G>A), located in coding exon 4 of the G6PC3 gene, results from a G to A substitution at nucleotide position 430. The valine at codon 144 is replaced by methionine, an amino acid with highly similar properties. This amino acid position is conserved. In addition, this alteration is predicted to be tolerated by in silico analysis. Based on the available evidence, the clinical significance of this variant remains unclear.